The following is an entry in ClinVar:

NM_001384140.1(PCDH15):c.3498G>A (p.Val1166=)

Gene: PCDH15 (protocadherin related 15; minus strand). Cytogenetic location: 10q21.1.
Variant type: single nucleotide variant.
Coding change: c.3498G>A on transcript NM_001384140.1 (MANE Select); coding-DNA position 3498, G replaced by A.
Protein change: p.Val1166=; no amino-acid change (valine 1166 retained).
Molecular consequence: synonymous variant.
Genome position (GRCh38, 1-based): chr10:53,903,246, C>T on the plus strand (G>A on the coding strand, the complement: PCDH15 is on the minus strand). VCF-style: chr10-53903246-C-T. GRCh37 (hg19) VCF-style: chr10-55663006-C-T.
Other names: c.3513G>A, p.Val1171= (NM_001142763.2, NM_001142771.2); c.3498G>A, p.Val1166= (NM_001142764.2, NM_001142766.2, NM_001142770.3 and 4 more transcripts); c.3285G>A, p.Val1095= (NM_001142765.2); c.3387G>A, p.Val1129= (NM_001142767.2); c.3432G>A, p.Val1144= (NM_001142768.2, NM_001142773.2, NM_001354404.2); c.3534G>A, p.Val1178= (NM_001142769.4); c.3519G>A, p.Val1173= (NM_001354411.2).
Identifiers: ClinVar variation 505369 (VCV000505369.5), dbSNP rs1554852336, ClinGen allele CA469495581.
Genomic context (GRCh38, chr10:53,903,246, plus strand): 5'-TATCTGCAAAACCTGAGCTTTTACTTTAGTTCTGTATATTAACATAATTCCGCATACCTT[C>T]ACTCTGAGTACAGAAGTAAACATTCTTGCATCTTCAGATACACCTCCGATGTAGAATTTT-3'
Protein context (NP_001371069.1, residues 1156-1176): DARMFTSVLR[Val1166=]KATDKDTGNY

ClinVar aggregate classification (germline): Likely benign (1 of 4 stars; one submission).

Submission:

Laboratory for Molecular Medicine, Mass General Brigham Personalized Medicine
Classification: Likely benign. Last evaluated: 2016-10-25. Review status: criteria provided, single submitter. Criteria: LMM Criteria. Collection method: clinical testing. Allele origin: germline. Observed: 1 variant allele.
Comment: p.Val1166Val in exon 26 of PCDH15: This variant is not expected to have clinical significance because it does not alter an amino acid residue and is not located within the splice consensus sequence.